The following is an entry in ClinVar:

ClinVar aggregate classification (germline): Conflicting classifications of pathogenicity. Review status: criteria provided, conflicting classifications (1 of 4 stars). 2 submissions from 2 submitters: Uncertain significance (1); Likely benign (1). Last evaluated 2025-10-12.

Conditions:
Distal myopathy with posterior leg and anterior hand involvement. Also called: WILLIAMS DISTAL MYOPATHY. Identifiers: Orphanet 63273, MedGen C3279722, MONDO:0013550, OMIM 614065.
Hypertrophic cardiomyopathy 26. Also called: Cardiomyopathy, familial hypertrophic, 26. Identifiers: Orphanet 75249, MedGen C4310749, MONDO:0014883, OMIM 617047.
Myofibrillar myopathy 5. Also called: Filaminopathy (type); FILAMINOPATHY, AUTOSOMAL DOMINANT. Identifiers: Orphanet 171445, MedGen C1836050, MONDO:0012289, OMIM 609524.
Cardiovascular phenotype. Identifiers: MedGen CN230736.

gnomAD v4.1: 1 of 1,612,676 alleles (0.000062%); highest among the groups gnomAD compares: Non-Finnish European, 0.000085%; no homozygotes.

Submissions (2):

Labcorp Genetics (formerly Invitae), Labcorp
Classification: Uncertain significance for Distal myopathy with posterior leg and anterior hand involvement; Myofibrillar myopathy 5; Hypertrophic cardiomyopathy 26. Last evaluated: 2025-10-12. Review status: criteria provided, single submitter. Criteria: Invitae Variant Classification Sherloc (09022015). Collection method: clinical testing. Allele origin: germline.
Comment: This sequence change replaces leucine, which is neutral and non-polar, with phenylalanine, which is neutral and non-polar, at codon 12 of the FLNC protein (p.Leu12Phe). This variant is not present in population databases (gnomAD no frequency). This variant has not been reported in the literature in individuals affected with FLNC-related conditions. ClinVar contains an entry for this variant (Variation ID: 3515934). An algorithm developed to predict the effect of missense changes on protein structure and function outputs the following: PolyPhen-2: "Benign". The phenylalanine amino acid residue is found in multiple mammalian species, which suggests that this missense change does not adversely affect protein function. In summary, the available evidence is currently insufficient to determine the role of this variant in disease. Therefore, it has been classified as a Variant of Uncertain Significance.

Ambry Genetics
Classification: Likely benign for Cardiovascular phenotype. Last evaluated: 2024-08-06. Review status: criteria provided, single submitter. Criteria: Ambry Variant Classification Scheme 2023. Collection method: clinical testing. Allele origin: germline.

NM_001458.5(FLNC):c.34C>T (p.Leu12Phe)

Gene: FLNC (filamin C; plus strand). Cytogenetic location: 7q32.1.
Variant type: single nucleotide variant.
Coding change: c.34C>T on transcript NM_001458.5 (MANE Select); coding-DNA position 34, C replaced by T.
Protein change: p.Leu12Phe; replaces leucine 12 with phenylalanine.
Molecular consequence: missense variant.
Genome position (GRCh38, 1-based): chr7:128,830,671, C>T. VCF-style: chr7-128830671-C-T. GRCh37 (hg19) VCF-style: chr7-128470725-C-T.
Other names: c.34C>T, p.Leu12Phe (NM_001127487.2); short protein forms L12F.
Identifiers: ClinVar variation 3515934 (VCV003515934.2).